The following is an entry in ClinVar:

ClinVar aggregate classification (germline): Uncertain significance (1 of 4 stars; one submission).

Submission:

Labcorp Genetics (formerly Invitae), Labcorp
Classification: Uncertain significance. Last evaluated: 2022-07-01. Review status: criteria provided, single submitter. Criteria: Invitae Variant Classification Sherloc (09022015). Collection method: clinical testing. Allele origin: germline.
Comment: Algorithms developed to predict the effect of missense changes on protein structure and function output the following: SIFT: "Tolerated"; PolyPhen-2: "Benign"; Align-GVGD: "Class C0". The alanine amino acid residue is found in multiple mammalian species, which suggests that this missense change does not adversely affect protein function. This sequence change replaces aspartic acid, which is acidic and polar, with alanine, which is neutral and non-polar, at codon 1299 of the RAI1 protein (p.Asp1299Ala). This variant is not present in population databases (gnomAD no frequency). This variant has not been reported in the literature in individuals affected with RAI1-related conditions. In summary, the available evidence is currently insufficient to determine the role of this variant in disease. Therefore, it has been classified as a Variant of Uncertain Significance.

NM_030665.4(RAI1):c.3896A>C (p.Asp1299Ala)

Gene: RAI1 (retinoic acid induced 1; plus strand). Cytogenetic location: 17p11.2.
Variant type: single nucleotide variant.
Coding change: c.3896A>C on transcript NM_030665.4 (MANE Select); coding-DNA position 3896, A replaced by C.
Protein change: p.Asp1299Ala; replaces aspartic acid 1299 with alanine.
Molecular consequence: missense variant.
Genome position (GRCh38, 1-based): chr17:17,796,844, A>C. VCF-style: chr17-17796844-A-C. GRCh37 (hg19) VCF-style: chr17-17700158-A-C.
Other names: short protein forms D1299A.
Identifiers: ClinVar variation 2009893 (VCV002009893.4), dbSNP rs2143002823, ClinGen allele CA398555195.